The following is an entry in ClinVar:

ClinVar aggregate classification (germline): Likely pathogenic. Review status: criteria provided, multiple submitters, no conflicts (2 of 4 stars). 2 submissions from 2 submitters: Likely pathogenic (2). Last evaluated 2024-08-05.

Conditions:
Infantile cerebral and cerebellar atrophy with postnatal progressive microcephaly (MSBA). Identifiers: Orphanet 402364, MedGen C3150921, MONDO:0013351, OMIM 613668.

Allele frequency attached by ClinVar (database versions not stated): gnomAD exomes below 0.00001; gnomAD 0.00001; ESP Exome Variant Server 0.00008.
gnomAD v4.1: 2 of 1,539,168 alleles (0.00013%); highest among the groups gnomAD compares: African/African-American, 0.0027%; no homozygotes.

Submissions (2):

Natera, Inc.
Classification: Likely pathogenic for Postnatal progressive microcephaly with seizures and brain atrophy. Last evaluated: 2024-08-05. Review status: criteria provided, single submitter. Criteria: Natera Variant Classification Schema (03/2026). Collection method: clinical testing. Allele origin: germline.
Comment: The c.1467-1G>C variant in MED17 is a canonical splice acceptor site variant predicted to affect pre-mRNA splicing, which may result in an abnormal transcript and altered protein product. This variant is expected to result in nonsense mediated decay, truncation, or a dysfunctional protein product. This variant is rare in the general population with a frequency below the threshold expected for the associated phenotype(s). Given the available evidence, this variant is classified as Likely Pathogenic.

Labcorp Genetics (formerly Invitae), Labcorp
Classification: Likely pathogenic. Last evaluated: 2023-08-07. Review status: criteria provided, single submitter. Criteria: Invitae Variant Classification Sherloc (09022015). Collection method: clinical testing. Allele origin: germline.
Comment: This sequence change affects an acceptor splice site in intron 9 of the MED17 gene. It is expected to disrupt RNA splicing. Variants that disrupt the donor or acceptor splice site typically lead to a loss of protein function (PMID: 16199547), and loss-of-function variants in MED17 are known to be pathogenic (PMID: 20950787, 26004231, 30345598). This variant is present in population databases (rs150996424, gnomAD 0.007%). This variant has not been reported in the literature in individuals affected with MED17-related conditions. ClinVar contains an entry for this variant (Variation ID: 1498075). Algorithms developed to predict the effect of sequence changes on RNA splicing suggest that this variant may disrupt the consensus splice site. In summary, the currently available evidence indicates that the variant is pathogenic, but additional data are needed to prove that conclusively. Therefore, this variant has been classified as Likely Pathogenic.

Literature cited by the submitters: PubMed 16199547 (cited by Labcorp Genetics (formerly Invitae), Labcorp); PubMed 20950787 (cited by Labcorp Genetics (formerly Invitae), Labcorp); PubMed 26004231 (cited by Labcorp Genetics (formerly Invitae), Labcorp); PubMed 30345598 (cited by Labcorp Genetics (formerly Invitae), Labcorp).

NM_004268.5(MED17):c.1467-1G>C

Gene: MED17 (mediator complex subunit 17; plus strand). Cytogenetic location: 11q21.
Variant type: single nucleotide variant.
Coding change: c.1467-1G>C on transcript NM_004268.5 (MANE Select); the canonical splice acceptor site of the intron before coding-DNA position 1467, G replaced by C.
Molecular consequence: splice acceptor variant.
Genome position (GRCh38, 1-based): chr11:93,807,517, G>C. VCF-style: chr11-93807517-G-C. GRCh37 (hg19) VCF-style: chr11-93540683-G-C.
Other names: c.1467-1G>C (NM_004268.4).
Identifiers: ClinVar variation 1498075 (VCV001498075.9), dbSNP rs150996424, ClinGen allele CA226490638.